The following is an entry in ClinVar:

NM_001126108.2(SLC12A3):c.3026G>A (p.Arg1009Gln)

Genes: SLC12A3 (solute carrier family 12 member 3; plus strand), LOC126862361 (CDK7 strongly-dependent group 2 enhancer GRCh37_chr16:56946332-56947531; plus strand). Cytogenetic location: 16q13.
Variant type: single nucleotide variant.
Coding change: c.3026G>A on transcript NM_001126108.2 (MANE Select); coding-DNA position 3026, G replaced by A.
Protein change: p.Arg1009Gln; replaces arginine 1009 with glutamine.
Molecular consequence: missense variant.
Genome position (GRCh38, 1-based): chr16:56,913,365, G>A. VCF-style: chr16-56913365-G-A. GRCh37 (hg19) VCF-style: chr16-56947277-G-A.
Other names: c.3053G>A, p.Arg1018Gln (NM_000339.3); c.3050G>A, p.Arg1017Gln (NM_001126107.2); c.3053G>A (NM_000339.2); short protein forms R1018Q, R1017Q, R1009Q.
Identifiers: ClinVar variation 594235 (VCV000594235.19), dbSNP rs370175770, ClinGen allele CA8070191.

ClinVar aggregate classification (germline): Pathogenic/Likely pathogenic. Review status: criteria provided, multiple submitters, no conflicts (2 of 4 stars). 6 submissions from 6 submitters: Pathogenic (5); Likely pathogenic (1). Last evaluated 2026-08-06.

Conditions:
Familial hypokalemia-hypomagnesemia (GTLMNS). Also called: POTASSIUM AND MAGNESIUM DEPLETION; gitelman syndrome; HYPOMAGNESEMIA-HYPOKALEMIA, PRIMARY RENOTUBULAR, WITH HYPOCALCIURIA. Identifiers: Orphanet 358, MedGen C0268450, MONDO:0009904, OMIM 263800.

Allele frequency attached by ClinVar (database versions not stated): ExAC 0.00003; ESP Exome Variant Server 0.00015; gnomAD 0.00003 and 0.00004; TOPMed 0.00003; gnomAD exomes 0.00002.
gnomAD v4.1: 34 of 1,614,090 alleles (0.0021%); highest among the groups gnomAD compares: African/African-American, 0.011%; no homozygotes.

Submissions (6):

OLLIN Analises Genomicas, OLLIN
Classification: Likely pathogenic for Familial hypokalemia-hypomagnesemia. Last evaluated: 2026-08-06. Review status: criteria provided, single submitter. Criteria: ACMG Guidelines 2015 PMID 25741868. Collection method: clinical testing. Allele origin: germline. Inheritance: Autosomal recessive inheritance.
Comment: This missense variant, located in exon 26 (of 26), has been reported in ClinVar (accession VCV000594235.18), in gnomAD with an allele frequency of 0.0021%, and in the scientific literature, in compound heterozygosity, in individuals with SLC12A3 related disorders (PMID: 17511264, 21415153, 22009145, 23328711). In silico analysis predicts that this variant has a deleterious effect. According to the currently available evidence, this variant has been classified as likely pathogenic (PM2_P, PM3_S, PP3_M).

Natera, Inc.
Classification: Pathogenic for Gitelman syndrome. Last evaluated: 2025-12-23. Review status: criteria provided, single submitter. Criteria: Natera Variant Classification Schema (03/2026). Collection method: clinical testing. Allele origin: germline.
Comment: The c.3053G>A variant in SLC12A3 is a missense variant predicted to cause substitution of arginine to glutamine at amino acid 1018. This variant is rare in the general population with a frequency below the threshold expected for the associated phenotype(s). This variant has been observed in one or more individuals affected with the associated recessive disease, as either homozygous or compound heterozygous with a second variant (PMID: 22009145). Given the available evidence, this variant is classified as Pathogenic.

Labcorp Genetics (formerly Invitae), Labcorp
Classification: Pathogenic. Last evaluated: 2025-09-28. Review status: criteria provided, single submitter. Criteria: Invitae Variant Classification Sherloc (09022015). Collection method: clinical testing. Allele origin: germline.
Comment: This sequence change replaces arginine, which is basic and polar, with glutamine, which is neutral and polar, at codon 1018 of the SLC12A3 protein (p.Arg1018Gln). This variant is present in population databases (rs370175770, gnomAD 0.008%). This missense change has been observed in individual(s) with Gitelman syndrome (PMID: 17511264, 21415153, 22009145, 23328711). In at least one individual the data is consistent with being in trans (on the opposite chromosome) from a pathogenic variant. ClinVar contains an entry for this variant (Variation ID: 594235). Invitae Evidence Modeling of protein sequence and biophysical properties (such as structural, functional, and spatial information, amino acid conservation, physicochemical variation, residue mobility, and thermodynamic stability) indicates that this missense variant is expected to disrupt SLC12A3 protein function with a positive predictive value of 95%. This variant disrupts the p.Arg1018 amino acid residue in SLC12A3. Other variant(s) that disrupt this residue have been observed in individuals with SLC12A3-related conditions (PMID: 23328711), which suggests that this may be a clinically significant amino acid residue. For these reasons, this variant has been classified as Pathogenic.

Fulgent Genetics
Classification: Pathogenic for Familial hypokalemia-hypomagnesemia. Last evaluated: 2024-03-09. Review status: criteria provided, single submitter. Criteria: ACMG Guidelines, 2015. Collection method: clinical testing. Allele origin: germline.

Genome-Nilou Lab
Classification: Pathogenic for Familial hypokalemia-hypomagnesemia. Last evaluated: 2021-07-15. Review status: criteria provided, single submitter. Criteria: ACMG Guidelines, 2015. Collection method: clinical testing. Allele origin: germline. Affected: no.

Eurofins Ntd Llc (ga)
Classification: Pathogenic. Last evaluated: 2017-09-26. Review status: criteria provided, single submitter. Criteria: EGL Classification Definitions 2015. Collection method: clinical testing. Allele origin: germline. Observed: 1 variant allele, 1 heterozygote.

Literature cited by the submitters: PubMed 17511264 (cited by OLLIN Analises Genomicas, OLLIN and Labcorp Genetics (formerly Invitae), Labcorp); PubMed 21415153 (cited by 3 submitters); PubMed 22009145 (cited by 4 submitters); PubMed 23328711 (cited by 3 submitters).